The following is an entry in ClinVar:

ClinVar aggregate classification (germline): Conflicting classifications of pathogenicity. Review status: criteria provided, conflicting classifications (1 of 4 stars). 2 submissions from 2 submitters: Uncertain significance (1); Likely benign (1). Last evaluated 2022-09-13.

Submissions (2):

GeneDx
Classification: Uncertain significance. Last evaluated: 2022-09-13. Review status: criteria provided, single submitter. Criteria: GeneDx Variant Classification Process June 2021. Collection method: clinical testing. Allele origin: germline. Affected: yes.
Comment: Not observed at significant frequency in large population cohorts (gnomAD); In silico analysis supports that this missense variant has a deleterious effect on protein structure/function; Has not been previously published as pathogenic or benign to our knowledge

Labcorp Genetics (formerly Invitae), Labcorp
Classification: Likely benign. Last evaluated: 2022-09-01. Review status: criteria provided, single submitter. Criteria: Invitae Variant Classification Sherloc (09022015). Collection method: clinical testing. Allele origin: germline.

NM_001349338.3(FOXP1):c.1162A>T (p.Ser388Cys)

Gene: FOXP1 (forkhead box P1; minus strand). Cytogenetic location: 3p13.
Variant type: single nucleotide variant.
Coding change: c.1162A>T on transcript NM_001349338.3 (MANE Select); coding-DNA position 1162, A replaced by T.
Protein change: p.Ser388Cys; replaces serine 388 with cysteine.
Molecular consequence: missense variant. On other transcripts: non-coding transcript variant (2).
Genome position (GRCh38, 1-based): chr3:70,978,014, T>A on the plus strand (A>T on the coding strand, the complement: FOXP1 is on the minus strand). VCF-style: chr3-70978014-T-A. GRCh37 (hg19) VCF-style: chr3-71027165-T-A.
Other names: c.1162A>T, p.Ser388Cys (NM_001244808.3, NM_001244810.2, NM_001244814.3 and 4 more transcripts); c.934A>T, p.Ser312Cys (NM_001244812.3); c.862A>T, p.Ser288Cys (NM_001244813.3, NM_001244815.2, NM_001349342.3 and 1 more transcripts); c.859A>T, p.Ser287Cys (NM_001349337.2, NM_001349343.3, NM_001349344.3); c.1159A>T, p.Ser387Cys (NM_001349341.3); c.1162A>T (NM_032682.5); short protein forms S388C, S288C, S387C, S287C, S312C.
Identifiers: ClinVar variation 2132313 (VCV002132313.5), dbSNP rs2545126568, ClinGen allele CA353494145.